The following is an entry in ClinVar:

ClinVar aggregate classification (germline): Benign/Likely benign. Review status: criteria provided, multiple submitters, no conflicts (2 of 4 stars). 9 submissions from 9 submitters: Benign (7); Likely benign (2). Last evaluated 2026-01-19.

Conditions:
Charcot-Marie-Tooth disease type 4. Also called: Charcot-Marie-Tooth, Type 4; Charcot-Marie-Tooth disease, type IV. Identifiers: Orphanet 64749, MedGen C4082197, MONDO:0018995.
Charcot-Marie-Tooth disease type 4B1. Also called: CHARCOT-MARIE-TOOTH DISEASE, AUTOSOMAL RECESSIVE, WITH FOCALLY FOLDED MYELIN SHEATHS, AUTOSOMAL RECESSIVE, TYPE 4B1; CHARCOT-MARIE-TOOTH DISEASE, TYPE 4B; CHARCOT-MARIE-TOOTH DISEASE, DEMYELINATING, TYPE 4B1; Charcot-Marie-Tooth Neuropathy Type 4B1. Identifiers: Orphanet 99955, MedGen C1832399, MONDO:0011066, OMIM 601382.

Allele frequency attached by ClinVar (database versions not stated): gnomAD exomes 0.00118 and 0.00293; ExAC 0.00344; gnomAD 0.01218 and 0.01295; ESP Exome Variant Server 0.01331; TOPMed 0.01348; 1000 Genomes Project 0.01617; 1000 Genomes Project 30x 0.01655.
gnomAD v4.1: 3,629 of 1,612,936 alleles (0.22%); highest among the groups gnomAD compares: African/African-American, 4.4%; 75 homozygotes.

Submissions (9):

Labcorp Genetics (formerly Invitae), Labcorp
Classification: Benign for Charcot-Marie-Tooth disease type 4. Last evaluated: 2026-01-19. Review status: criteria provided, single submitter. Criteria: Invitae Variant Classification Sherloc (09022015). Collection method: clinical testing. Allele origin: germline.

ARUP Laboratories, Molecular Genetics and Genomics, ARUP Laboratories
Classification: Benign for Charcot-Marie-Tooth disease type 4B1. Last evaluated: 2025-07-17. Review status: criteria provided, single submitter. Criteria: ARUP Molecular Germline Variant Investigation Process 2024. Collection method: clinical testing. Allele origin: germline.

CeGaT Center for Human Genetics Tuebingen
Classification: Benign. Last evaluated: 2024-12-01. Review status: criteria provided, single submitter. Criteria: CeGaT Center For Human Genetics Tuebingen Variant Classification Criteria Version 2. Collection method: clinical testing. Allele origin: germline. Affected: yes. Observed: 2 variant alleles.
Comment: MTMR2: BS1, BS2

Athena Diagnostics
Classification: Benign. Last evaluated: 2018-10-29. Review status: criteria provided, single submitter. Criteria: Athena Diagnostics Criteria. Collection method: clinical testing. Allele origin: germline.

Illumina Laboratory Services, Illumina
Classification: Likely benign for Charcot-Marie-Tooth disease type 4B1. Last evaluated: 2017-04-27. Review status: criteria provided, single submitter. Criteria: ICSL Variant Classification Criteria 13 December 2019. Collection method: clinical testing. Allele origin: germline.
Comment: This variant was observed as part of a predisposition screen in an ostensibly healthy population. A literature search was performed for the gene, cDNA change, and amino acid change (where applicable). Publications were found based on this search. The evidence from the literature, in combination with allele frequency data from public databases where available, was sufficient to determine this variant is unlikely to cause disease. Therefore, this variant is classified as likely benign.

Mayo Clinic Laboratories, Mayo Clinic
Classification: Benign. Last evaluated: 2016-03-10. Review status: criteria provided, single submitter. Criteria: ACMG Guidelines, 2015. Collection method: clinical testing. Allele origin: germline. Observed: 9 variant alleles.

GeneDx
Classification: Benign. Last evaluated: 2016-02-02. Review status: criteria provided, single submitter. Criteria: GeneDx Variant Classification (06012015). Collection method: clinical testing. Allele origin: germline. Affected: yes.
Comment: This variant is considered likely benign or benign based on one or more of the following criteria: it is a conservative change, it occurs at a poorly conserved position in the protein, it is predicted to be benign by multiple in silico algorithms, and/or has population frequency not consistent with disease.

Eurofins Ntd Llc (ga)
Classification: Benign. Last evaluated: 2015-04-02. Review status: criteria provided, single submitter. Criteria: EGL Classification Definitions 2015. Collection method: clinical testing. Allele origin: germline. Observed: 1 variant allele, 1 heterozygote.

Breakthrough Genomics
Classification: Likely benign. Review status: criteria provided, single submitter. Criteria: ACMG Guidelines, 2015. Collection method: not provided. Allele origin: germline. Inheritance: Autosomal recessive inheritance. Affected: yes.

Literature cited by the submitters: PubMed 20981092 (cited by Athena Diagnostics); PubMed 27884173 (cited by Athena Diagnostics); PubMed 12398840 (cited by Athena Diagnostics); PubMed 11354824 (cited by Athena Diagnostics and Illumina Laboratory Services, Illumina).

NM_016156.6(MTMR2):c.1634A>G (p.Asn545Ser)

Gene: MTMR2 (myotubularin related protein 2; minus strand). Cytogenetic location: 11q21.
Variant type: single nucleotide variant.
Coding change: c.1634A>G on transcript NM_016156.6 (MANE Select); coding-DNA position 1634, A replaced by G.
Protein change: p.Asn545Ser; replaces asparagine 545 with serine.
Molecular consequence: missense variant.
Genome position (GRCh38, 1-based): chr11:95,836,284, T>C on the plus strand (A>G on the coding strand, the complement: MTMR2 is on the minus strand). VCF-style: chr11-95836284-T-C. GRCh37 (hg19) VCF-style: chr11-95569448-T-C.
Other names: c.1418A>G, p.Asn473Ser (NM_001243571.2, NM_201278.3, NM_201281.3); short protein forms N545S, N473S.
Identifiers: ClinVar variation 194416 (VCV000194416.54), dbSNP rs558018, ClinGen allele CA201173.